The following is an entry in ClinVar:

ClinVar aggregate classification (germline): Likely pathogenic (1 of 4 stars; one submission).

Conditions:
Retinitis pigmentosa 11 (RP11). Identifiers: Orphanet 791, MedGen C1838601, MONDO:0010828, OMIM 600138.

Submission:

3billion
Classification: Likely pathogenic for Retinitis pigmentosa 11. Last evaluated: 2023-11-03. Review status: criteria provided, single submitter. Criteria: ACMG Guidelines, 2015. Collection method: clinical testing. Allele origin: germline. Affected: yes.
Comment: The variant is not observed in the gnomAD v2.1.1 dataset. Predicted Consequence: Frameshift - predicted to result in a loss or disruption of normal protein function through nonsense-mediated decay (NMD) or protein truncation. Multiple pathogenic variants are reported downstream of the variant. Therefore, the variant is classified as likely pathogenic according to the recommendation of ACMG/AMP guideline.

NM_015629.4(PRPF31):c.914_931delinsCCAGTGT (p.Val305fs)

Gene: PRPF31 (pre-mRNA processing factor 31; plus strand). Cytogenetic location: 19q13.42.
Variant type: Indel.
Coding change: c.914_931delinsCCAGTGT on transcript NM_015629.4 (MANE Select); coding-DNA positions 914 to 931, TGGACAGTTTCCACGAGA replaced by CCAGTGT.
Protein change: p.Val305fs; shifts the reading frame from valine 305.
Molecular consequence: frameshift variant.
Genome position (GRCh38, 1-based): chr19:54,126,586-54,126,603, TGGACAGTTTCCACGAGA replaced by CCAGTGT. VCF-style: chr19-54126586-TGGACAGTTTCCACGAGA-CCAGTGT. GRCh37 (hg19) VCF-style: chr19-54629961-TGGACAGTTTCCACGAGA-CCAGTGT.
Other names: short protein forms V305fs.
Identifiers: ClinVar variation 3775994 (VCV003775994.1).